The following is an entry in ClinVar:

ClinVar aggregate classification (germline): Conflicting classifications of pathogenicity. Review status: criteria provided, conflicting classifications (1 of 4 stars). 3 submissions from 3 submitters: Uncertain significance (2); Benign (1). Last evaluated 2025-11-12.

Conditions:
Ehlers-Danlos syndrome, classic type, 1 (EDSCL1). Also called: Ehlers-Danlos Syndrome, Classic Type, COL5A1-Related; EHLERS-DANLOS SYNDROME, GRAVIS TYPE; EHLERS-DANLOS SYNDROME, SEVERE CLASSIC TYPE; Ehlers-Danlos syndrome, type 1; EDS I. Identifiers: MedGen C0268335, MONDO:0019567, OMIM 130000.

Allele frequency attached by ClinVar (database versions not stated): TOPMed 0.00001; gnomAD 0.00003.
gnomAD v4.1: 33 of 1,614,060 alleles (0.002%); highest among the groups gnomAD compares: South Asian, 0.012%; 1 homozygote.

Submissions (3):

Labcorp Genetics (formerly Invitae), Labcorp
Classification: Benign for Ehlers-Danlos syndrome, classic type, 1. Last evaluated: 2025-11-12. Review status: criteria provided, single submitter. Criteria: Invitae Variant Classification Sherloc (09022015). Collection method: clinical testing. Allele origin: germline.

Mayo Clinic Laboratories, Mayo Clinic
Classification: Uncertain significance. Last evaluated: 2024-06-03. Review status: criteria provided, single submitter. Criteria: ACMG Guidelines, 2015. Collection method: clinical testing. Allele origin: germline. Observed: 1 variant allele.
Comment: BS1

GeneDx
Classification: Uncertain significance. Last evaluated: 2016-11-03. Review status: criteria provided, single submitter. Criteria: GeneDx Variant Classification (06012015). Collection method: clinical testing. Allele origin: germline. Affected: yes.
Comment: The P1566L variant is a semi-conservative amino acid substitution, which may impact secondary protein structure as these residues differ in some properties. This substitution occurs at a position that is conserved across species. In silico analysis predicts this variant is probably damaging to the protein structure/function. A missense mutation in a nearby residue (G1564D) has been reported in association with Ehlers-Danlos syndrome, classic type, supporting the functional importance of this region of the protein. However, data from control individuals were not available to assess whether P1566L may be a common benign variant in the general population.Therefore, based on the currently available information, it is unclear whether this variant is a pathogenic mutation or a rare benign variant.This variant was found in COL5A1,TAAD

Literature cited by the submitters: PubMed 35599849 (cited by Mayo Clinic Laboratories, Mayo Clinic).

NM_000093.5(COL5A1):c.4697C>T (p.Pro1566Leu)

Genes: COL5A1 (collagen type V alpha 1 chain; plus strand), LOC101448202 (uncharacterized LOC101448202; minus strand). Cytogenetic location: 9q34.3.
Variant type: single nucleotide variant.
Coding change: c.4697C>T on transcript NM_000093.5 (MANE Select); coding-DNA position 4697, C replaced by T.
Protein change: p.Pro1566Leu; replaces proline 1566 with leucine.
Molecular consequence: missense variant.
Genome position (GRCh38, 1-based): chr9:134,823,468, C>T. VCF-style: chr9-134823468-C-T. GRCh37 (hg19) VCF-style: chr9-137715314-C-T.
Other names: p.P1566L:CCG>CTG; p.Pro1566Leu; c.4697C>T, p.Pro1566Leu (NM_001278074.1); short protein forms P1566L.
Identifiers: ClinVar variation 212987 (VCV000212987.9), dbSNP rs375540141, ClinGen allele CA320398.
Genomic context (GRCh38, chr9:134,823,468, plus strand): 5'-CTCCCCAGGGTCCAACTGGCCCGAAGGGTGAGGCAGGCCACCCAGGACCCCCAGGCCCCC[C>T]GGTAAGTAGCCCTTGAAGCCCAGAAAGCGGGACGGGGGCTCTGGCTAGCTCCGAGGGAAT-3'
Protein context (NP_000084.3, residues 1556-1576): EAGHPGPPGP[Pro1566Leu]GPPGEVIQPL